The following is an entry in ClinVar:

NM_033360.4(KRAS):c.*3766A>G

Gene: KRAS (KRas proto-oncogene, GTPase; minus strand). Cytogenetic location: 12p12.1.
Variant type: single nucleotide variant.
Coding change: c.*3766A>G on transcript NM_033360.4 (MANE Plus Clinical); 3766 bases downstream of the stop codon, A replaced by G.
Molecular consequence: 3 prime UTR variant.
Genome position (GRCh38, 1-based): chr12:25,206,150, T>C on the plus strand (A>G on the coding strand, the complement: KRAS is on the minus strand). VCF-style: chr12-25206150-T-C. GRCh37 (hg19) VCF-style: chr12-25359084-T-C.
Other names: c.*3766A>G (LRG_344t2, NM_001369786.1); c.*3645A>G (LRG_344t1, NM_001369787.1, NM_004985.5).
Identifiers: ClinVar variation 308070 (VCV000308070.32), dbSNP rs529959450, ClinGen allele CA10632461.

ClinVar aggregate classification (germline): Likely benign (1 of 4 stars; one submission).

Allele frequency attached by ClinVar (database versions not stated): 1000 Genomes Project 30x 0.00031; 1000 Genomes Project 0.00040; gnomAD 0.00108 and 0.00115; TOPMed 0.00122; gnomAD exomes 0.00145.
gnomAD v4.1: 273 of 216,930 alleles (0.13%); highest among the groups gnomAD compares: Middle Eastern, 1.2%; no homozygotes.

Submission:

CeGaT Center for Human Genetics Tuebingen
Classification: Likely benign. Last evaluated: 2023-05-01. Review status: criteria provided, single submitter. Criteria: CeGaT Center For Human Genetics Tuebingen Variant Classification Criteria Version 2. Collection method: clinical testing. Allele origin: germline. Affected: yes. Observed: 6 variant alleles.
Comment: KRAS: BS1